The following is an entry in ClinVar:

ClinVar aggregate classification (germline): Uncertain significance (1 of 4 stars; one submission).

Conditions:
Malignant hyperthermia, susceptibility to, 1 (MHS1). Also called: Anesthesia related hyperthermia; Malignant hyperpyrexia; Fulminating hyperpyrexia; Pharmacogenic myopathy; RYR1-Related Malignant Hyperthermia Susceptibility; Malignant hyperthermia suceptibility 1. Identifiers: Orphanet 423, MedGen C2930980, MONDO:0007783, OMIM 145600.

Submission:

All of Us Research Program, National Institutes of Health
Classification: Uncertain significance for Malignant hyperthermia, susceptibility to, 1. Last evaluated: 2023-09-17. Review status: criteria provided, single submitter. Criteria: ACMG Guidelines, 2015. Collection method: clinical testing. Allele origin: germline. Inheritance: Autosomal dominant inheritance. Observed: 1 variant allele, 1 heterozygote.
Comment: This missense variant replaces tyrosine with histidine at codon 4776 of the RYR1 protein. Computational prediction suggests that this variant may have deleterious impact on protein structure and function (internally defined REVEL score threshold >= 0.7, PMID: 27666373). To our knowledge, functional studies have not been reported for this variant. This variant has not been reported in individuals affected with RYR1-related disorders in the literature. This variant has not been identified in the general population by the Genome Aggregation Database (gnomAD). The available evidence is insufficient to determine the role of this variant in disease conclusively. Therefore, this variant is classified as a Variant of Uncertain Significance.

This study involves interpretation of variants in research participants for the purpose of population health screening. Participant phenotype was not available at the time of variant classification. Additional details can be found in publication PMID: 35346344, PMCID: PMC8962531

NM_000540.3(RYR1):c.14326T>C (p.Tyr4776His)

Gene: RYR1 (ryanodine receptor 1; plus strand). Cytogenetic location: 19q13.2.
Variant type: single nucleotide variant.
Coding change: c.14326T>C on transcript NM_000540.3 (MANE Select); coding-DNA position 14326, T replaced by C.
Protein change: p.Tyr4776His; replaces tyrosine 4776 with histidine.
Molecular consequence: missense variant.
Genome position (GRCh38, 1-based): chr19:38,578,166, T>C. VCF-style: chr19-38578166-T-C. GRCh37 (hg19) VCF-style: chr19-39068806-T-C.
Other names: c.14311T>C, p.Tyr4771His (NM_001042723.2); short protein forms Y4771H, Y4776H.
Identifiers: ClinVar variation 3073478 (VCV003073478.1), dbSNP rs2514740224, ClinGen allele CA405685165.